The following is an entry in ClinVar:

NM_001365951.3(KIF1B):c.4408G>T (p.Ala1470Ser)

Gene: KIF1B (kinesin family member 1B; plus strand). Cytogenetic location: 1p36.22.
Variant type: single nucleotide variant.
Coding change: c.4408G>T on transcript NM_001365951.3 (MANE Select); coding-DNA position 4408, G replaced by T.
Protein change: p.Ala1470Ser; replaces alanine 1470 with serine.
Molecular consequence: missense variant.
Genome position (GRCh38, 1-based): chr1:10,365,141, G>T. VCF-style: chr1-10365141-G-T. GRCh37 (hg19) VCF-style: chr1-10425199-G-T.
Other names: c.4408G>T, p.Ala1470Ser (NM_001365952.1); c.4270G>T, p.Ala1424Ser (NM_015074.3); short protein forms A1424S, A1470S.
Identifiers: ClinVar variation 2561703 (VCV002561703.3), dbSNP rs2521911170, ClinGen allele CA338320334.

ClinVar aggregate classification (germline): Uncertain significance (1 of 4 stars; one submission).

Submission:

Ambry Genetics
Classification: Uncertain significance. Last evaluated: 2025-08-02. Review status: criteria provided, single submitter. Criteria: Ambry Variant Classification Scheme 2023. Collection method: clinical testing. Allele origin: germline.
Comment: The p.A1424S variant (also known as c.4270G>T), located in coding exon 39 of the KIF1B gene, results from a G to T substitution at nucleotide position 4270. The alanine at codon 1424 is replaced by serine, an amino acid with similar properties. This amino acid position is highly conserved in available vertebrate species. In addition, the in silico prediction for this alteration is inconclusive. The evidence for this gene-disease relationship is limited; therefore, the clinical significance of this alteration is unclear.